The following is an entry in ClinVar:

ClinVar aggregate classification (germline): Uncertain significance (1 of 4 stars; one submission).

Conditions:
Beckwith-Wiedemann syndrome (BWS). Also called: EMG SYNDROME; Exomphalos macroglossia gigantism syndrome. Identifiers: Orphanet 116, MedGen C0004903, MONDO:0007534, OMIM 130650.

Submission:

Labcorp Genetics (formerly Invitae), Labcorp
Classification: Uncertain significance for Beckwith-Wiedemann syndrome. Last evaluated: 2020-12-02. Review status: criteria provided, single submitter. Criteria: Invitae Variant Classification Sherloc (09022015). Collection method: clinical testing. Allele origin: germline.
Comment: In summary, the available evidence is currently insufficient to determine the role of this variant in disease. Therefore, it has been classified as a Variant of Uncertain Significance. Algorithms developed to predict the effect of missense changes on protein structure and function are either unavailable or do not agree on the potential impact of this missense change (SIFT: "Deleterious"; PolyPhen-2: "Not Available"; Align-GVGD: "Class C0"). This variant has not been reported in the literature in individuals with CDKN1C-related conditions. This variant is not present in population databases (ExAC no frequency). This sequence change replaces glycine with cysteine at codon 253 of the CDKN1C protein (p.Gly253Cys). The glycine residue is moderately conserved and there is a large physicochemical difference between glycine and cysteine.

NM_001122630.2(CDKN1C):c.724G>T (p.Gly242Cys)

Gene: CDKN1C (cyclin dependent kinase inhibitor 1C; minus strand). Cytogenetic location: 11p15.4.
Variant type: single nucleotide variant.
Coding change: c.724G>T on transcript NM_001122630.2 (MANE Select); coding-DNA position 724, G replaced by T.
Protein change: p.Gly242Cys; replaces glycine 242 with cysteine.
Molecular consequence: missense variant. On other transcripts: intron variant (1).
Genome position (GRCh38, 1-based): chr11:2,884,733, C>A on the plus strand (G>T on the coding strand, the complement: CDKN1C is on the minus strand). VCF-style: chr11-2884733-C-A. GRCh37 (hg19) VCF-style: chr11-2905963-C-A.
Other names: c.757G>T, p.Gly253Cys (NM_000076.2, NM_001362474.2); c.724G>T, p.Gly242Cys (NM_001122631.2); c.255+469G>T (NM_001362475.2); short protein forms G253C, G242C.
Identifiers: ClinVar variation 1518721 (VCV001518721.8), dbSNP rs1462025809, ClinGen allele CA379145639.
Genomic context (GRCh38, chr11:2,884,733, plus strand): 5'-AGATCAGAGGCCCGGACAGCTTCTTGATCGCCGCGCCGTTGGCGCTGGCGGCCGCGGTGC[C>A]GGCCGCGGGACGTCCCGAAATCCCCGAGTGCAGCTGGTCAGCGAGAGGCTCCTGGCCGCG-3'
Protein context (NP_001116102.1, residues 232-252): HSGISGRPAA[Gly242Cys]TAAASANGAA